The following is an entry in ClinVar:

NM_138395.4(MARS2):c.93G>T (p.Ser31=)

Gene: MARS2 (methionyl-tRNA synthetase 2, mitochondrial; plus strand). Cytogenetic location: 2q33.1.
Variant type: single nucleotide variant.
Coding change: c.93G>T on transcript NM_138395.4 (MANE Select); coding-DNA position 93, G replaced by T.
Protein change: p.Ser31=; no amino-acid change (serine 31 retained).
Molecular consequence: synonymous variant.
Genome position (GRCh38, 1-based): chr2:197,705,498, G>T. VCF-style: chr2-197705498-G-T. GRCh37 (hg19) VCF-style: chr2-198570222-G-T.
Identifiers: ClinVar variation 681427 (VCV000681427.1), dbSNP rs935204973, ClinGen allele CA62878379.

ClinVar aggregate classification (germline): Likely benign (1 of 4 stars; one submission).

Allele frequency attached by ClinVar (database versions not stated): TOPMed 0.00001 and below 0.00001.

Submission:

GeneDx
Classification: Likely benign. Last evaluated: 2018-04-12. Review status: criteria provided, single submitter. Criteria: GeneDx Variant Classification (06012015). Collection method: clinical testing. Allele origin: germline. Affected: yes.
Comment: This variant is considered likely benign or benign based on one or more of the following criteria: it is a conservative change, it occurs at a poorly conserved position in the protein, it is predicted to be benign by multiple in silico algorithms, and/or has population frequency not consistent with disease.